The following is an entry in ClinVar:

NM_001447.3(FAT2):c.11845G>C (p.Asp3949His)

Genes: FAT2 (FAT atypical cadherin 2; minus strand), SLC36A1 (solute carrier family 36 member 1; plus strand). Cytogenetic location: 5q33.1.
Variant type: single nucleotide variant.
Coding change: c.11845G>C on transcript NM_001447.3 (MANE Select); coding-DNA position 11845, G replaced by C.
Protein change: p.Asp3949His; replaces aspartic acid 3949 with histidine.
Molecular consequence: missense variant.
Genome position (GRCh38, 1-based): chr5:151,512,225, C>G on the plus strand (G>C on the coding strand, the complement: FAT2 is on the minus strand). VCF-style: chr5-151512225-C-G. GRCh37 (hg19) VCF-style: chr5-150891786-C-G.
Other names: c.11845G>C (NM_001447.2); short protein forms D3949H.
Identifiers: ClinVar variation 2655950 (VCV002655950.25), dbSNP rs371179898, ClinGen allele CA3519931.
Genomic context (GRCh38, chr5:151,512,225, plus strand): 5'-CTGCCCCATGGGTCCATGAGCACTTCCCACCATTGAGGCATGTGTTCTGGCTGCAGTAGT[C>G]ACTGTGGAGGCAGCACTGGGTGAGGGCTTGTGTCTCCAGCAAGCCTGCCACCGTCTTGCC-3'
Protein context (NP_001438.1, residues 3939-3959): QALTQCCLHS[Asp3949His]YCSQNTCLNG

ClinVar aggregate classification (germline): Conflicting classifications of pathogenicity. Review status: criteria provided, conflicting classifications (1 of 4 stars). 2 submissions from 2 submitters: Uncertain significance (1); Likely benign (1). Last evaluated 2025-01-21.

Allele frequency attached by ClinVar (database versions not stated): ESP Exome Variant Server 0.00008.
gnomAD v4.1: 107 of 1,614,084 alleles (0.0066%); highest among the groups gnomAD compares: Non-Finnish European, 0.009%; no homozygotes.

Submissions (2):

Ambry Genetics
Classification: Uncertain significance. Last evaluated: 2025-01-21. Review status: criteria provided, single submitter. Criteria: Ambry Variant Classification Scheme 2023. Collection method: clinical testing. Allele origin: germline.

CeGaT Center for Human Genetics Tuebingen
Classification: Likely benign. Last evaluated: 2023-09-01. Review status: criteria provided, single submitter. Criteria: CeGaT Center For Human Genetics Tuebingen Variant Classification Criteria Version 2. Collection method: clinical testing. Allele origin: germline. Affected: yes. Observed: 1 variant allele.
Comment: FAT2: BP4